The following is an entry in ClinVar:

ClinVar aggregate classification (germline): Uncertain significance. Review status: criteria provided, multiple submitters, no conflicts (2 of 4 stars). 6 submissions from 6 submitters: Uncertain significance (5). 1 of the submissions does not count toward it. Last evaluated 2025-10-23.

Conditions:
Retinal dystrophy. Also called: Inherited retinal dystrophy. Identifiers: Orphanet 71862, MedGen C0854723, MeSH D058499, MONDO:0019118, HP:0000556.
Inborn genetic diseases. Identifiers: MedGen C0950123, MeSH D030342.
Cone-rod dystrophy 12 (CORD12). Identifiers: Orphanet 1872, MedGen C2675210, MONDO:0012983, OMIM 612657.
Retinal macular dystrophy type 2 (MCDR2). Also called: Bull's eye macular dystrophy. Identifiers: Orphanet 319640, MedGen C4749334, MONDO:0011957, OMIM 608051.
Stargardt disease 4 (STGD4). Identifiers: Orphanet 827, MedGen C1863534, MONDO:0011370, OMIM 603786.
Retinitis pigmentosa 41 (RP41). Also called: RETINAL DEGENERATION, AUTOSOMAL RECESSIVE, PROMININ-RELATED. Identifiers: Orphanet 791, MedGen C2677516, MONDO:0012796, OMIM 612095.
PROM1-related disorder. Also called: PROM1-related disorders; PROM1-related condition.

Allele frequency attached by ClinVar (database versions not stated): gnomAD 0.00001 and 0.00002; gnomAD exomes 0.00006; ESP Exome Variant Server 0.00008.

Submissions (6):

Labcorp Genetics (formerly Invitae), Labcorp
Classification: Uncertain significance. Last evaluated: 2025-10-23. Review status: criteria provided, single submitter. Criteria: Invitae Variant Classification Sherloc (09022015). Collection method: clinical testing. Allele origin: germline.
Comment: This sequence change replaces arginine, which is basic and polar, with glutamine, which is neutral and polar, at codon 202 of the PROM1 protein (p.Arg202Gln). This variant is present in population databases (rs200352674, gnomAD 0.004%). This variant has not been reported in the literature in individuals affected with PROM1-related conditions. ClinVar contains an entry for this variant (Variation ID: 1381395). Invitae Evidence Modeling of protein sequence and biophysical properties (such as structural, functional, and spatial information, amino acid conservation, physicochemical variation, residue mobility, and thermodynamic stability) indicates that this missense variant is not expected to disrupt PROM1 protein function with a negative predictive value of 80%. In summary, the available evidence is currently insufficient to determine the role of this variant in disease. Therefore, it has been classified as a Variant of Uncertain Significance.

PreventionGenetics, part of Exact Sciences
Classification: Uncertain significance for PROM1-related condition. Last evaluated: 2025-06-19. Review status: criteria provided, single submitter. Criteria: ACMG Guidelines, 2015. Collection method: clinical testing. Allele origin: germline.
Comment: The PROM1 c.605G>A variant is predicted to result in the amino acid substitution p.Arg202Gln. To our knowledge, this variant has not been reported in the literature. This variant is present in 0.0044% of alleles in individuals of European (Non-Finnish) descent in gnomAD. Another variant affecting the same amino acid position, c.604C>G p.(Arg202Gly), has been reported in individuals with retinal disease or macular dystrophy (for example, Del Pozo-Valero et al. 2019. PubMed ID: 31129250; supplementary data, Schlottmann et al. 2023. PubMed ID: 37217489; Weisschuh et al. 2024. PubMed ID: 37734845). At this time, the clinical significance of this variant is uncertain due to the absence of conclusive functional and genetic evidence.

Fulgent Genetics
Classification: Uncertain significance for Stargardt disease 4; Retinal macular dystrophy type 2; Retinitis pigmentosa 41; Cone-rod dystrophy 12. Last evaluated: 2024-05-14. Review status: criteria provided, single submitter. Criteria: ACMG Guidelines, 2015. Collection method: clinical testing. Allele origin: germline.

Ambry Genetics
Classification: Uncertain significance for Inborn genetic diseases. Last evaluated: 2024-01-30. Review status: criteria provided, single submitter. Criteria: Ambry Variant Classification Scheme 2023. Collection method: clinical testing. Allele origin: germline.

Department of Pathology and Laboratory Medicine, Sinai Health System
Classification: Uncertain significance for Stargardt disease 4; Retinal macular dystrophy type 2; Retinitis pigmentosa 41; Cone-rod dystrophy 12. Last evaluated: 2022-02-18. Review status: criteria provided, single submitter. Criteria: ACMG Guidelines, 2015. Collection method: research. Allele origin: germline.

Institute of Human Genetics, Univ. Regensburg, Univ. Regensburg
Classification: Uncertain significance for Retinal dystrophy. Last evaluated: 2023-01-01. Review status: no assertion criteria provided. Criteria: ACMG Guidelines, 2015. Collection method: clinical testing. Allele origin: germline. Affected: yes. Not counted in ClinVar's aggregate classification.

NM_006017.3(PROM1):c.605G>A (p.Arg202Gln)

Gene: PROM1 (prominin 1; minus strand). Cytogenetic location: 4p15.32.
Variant type: single nucleotide variant.
Coding change: c.605G>A on transcript NM_006017.3 (MANE Select); coding-DNA position 605, G replaced by A.
Protein change: p.Arg202Gln; replaces arginine 202 with glutamine.
Molecular consequence: missense variant.
Genome position (GRCh38, 1-based): chr4:16,025,217, C>T on the plus strand (G>A on the coding strand, the complement: PROM1 is on the minus strand). VCF-style: chr4-16025217-C-T. GRCh37 (hg19) VCF-style: chr4-16026840-C-T.
Other names: c.578G>A, p.Arg193Gln (NM_001145847.2, NM_001145848.2, NM_001145851.2 and 4 more transcripts); c.605G>A, p.Arg202Gln (NM_001145849.2, NM_001145850.2); c.605G>A (NM_006017.2); short protein forms R193Q, R202Q.
Identifiers: ClinVar variation 1381395 (VCV001381395.11), dbSNP rs200352674, ClinGen allele CA2867034.